The following is an entry in ClinVar:

NM_021930.6(RINT1):c.638T>C (p.Met213Thr)

Gene: RINT1 (RAD50 interactor 1; plus strand). Cytogenetic location: 7q22.3.
Variant type: single nucleotide variant.
Coding change: c.638T>C on transcript NM_021930.6 (MANE Select); coding-DNA position 638, T replaced by C.
Protein change: p.Met213Thr; replaces methionine 213 with threonine.
Molecular consequence: missense variant. On other transcripts: 5 prime UTR variant (2), non-coding transcript variant (1), intron variant (1).
Genome position (GRCh38, 1-based): chr7:105,547,032, T>C. VCF-style: chr7-105547032-T-C. GRCh37 (hg19) VCF-style: chr7-105187479-T-C.
Other names: c.638T>C (NM_021930.4); c.404T>C, p.Met135Thr (NM_001346599.2); c.-382T>C (NM_001346600.2); c.-285T>C (NM_001346601.2); c.-27-3023T>C (NM_001346603.2); short protein forms M213T, M135T.
Identifiers: ClinVar variation 2902448 (VCV002902448.5), dbSNP rs2485123007, ClinGen allele CA368805757.

ClinVar aggregate classification (germline): Uncertain significance. Review status: criteria provided, multiple submitters, no conflicts (2 of 4 stars). 2 submissions from 2 submitters: Uncertain significance (2). Last evaluated 2025-11-29.

Allele frequency attached by ClinVar (database versions not stated): gnomAD exomes below 0.00001.
gnomAD v4.1: 2 of 1,613,992 alleles (0.00012%); highest among the groups gnomAD compares: Non-Finnish European, 0.00017%; no homozygotes.

Submissions (2):

Ambry Genetics
Classification: Uncertain significance. Last evaluated: 2025-11-29. Review status: criteria provided, single submitter. Criteria: Ambry Variant Classification Scheme 2023. Collection method: clinical testing. Allele origin: germline.
Comment: The p.M213T variant (also known as c.638T>C), located in coding exon 5 of the RINT1 gene, results from a T to C substitution at nucleotide position 638. The methionine at codon 213 is replaced by threonine, an amino acid with similar properties. This amino acid position is conserved. In addition, this alteration is predicted to be tolerated by in silico analysis. Since supporting evidence is limited at this time, the clinical significance of this alteration remains unclear.

Labcorp Genetics (formerly Invitae), Labcorp
Classification: Uncertain significance. Last evaluated: 2022-11-15. Review status: criteria provided, single submitter. Criteria: Invitae Variant Classification Sherloc (09022015). Collection method: clinical testing. Allele origin: germline.
Comment: This sequence change replaces methionine, which is neutral and non-polar, with threonine, which is neutral and polar, at codon 213 of the RINT1 protein (p.Met213Thr). This variant is not present in population databases (gnomAD no frequency). This variant has not been reported in the literature in individuals affected with RINT1-related conditions. Algorithms developed to predict the effect of missense changes on protein structure and function (SIFT, PolyPhen-2, Align-GVGD) all suggest that this variant is likely to be tolerated. In summary, the available evidence is currently insufficient to determine the role of this variant in disease. Therefore, it has been classified as a Variant of Uncertain Significance.